The following is an entry in ClinVar:

ClinVar aggregate classification (germline): Uncertain significance (1 of 4 stars; one submission).

Conditions:
Hereditary cancer-predisposing syndrome. Also called: Neoplastic Syndromes, Hereditary; Tumor predisposition; Hereditary Cancer Syndrome; Hereditary neoplastic syndrome. Identifiers: Orphanet 140162, MedGen C0027672, MeSH D009386, MONDO:0015356.

Submission:

Ambry Genetics
Classification: Uncertain significance for Hereditary cancer-predisposing syndrome. Last evaluated: 2026-02-20. Review status: criteria provided, single submitter. Criteria: Ambry Variant Classification Scheme 2023. Collection method: clinical testing. Allele origin: germline.
Comment: The p.A1793S variant (also known as c.5377G>T), located in coding exon 15 of the APC gene, results from a G to T substitution at nucleotide position 5377. The alanine at codon 1793 is replaced by serine, an amino acid with similar properties. This amino acid position is conserved. In addition, in silico predictors for this gene do not accurately predict pathogenicity. Based on the available evidence, the clinical significance of this variant remains unclear.

NM_000038.6(APC):c.5377G>T (p.Ala1793Ser)

Gene: APC (APC regulator of Wnt signaling pathway; plus strand). Cytogenetic location: 5q22.2.
Variant type: single nucleotide variant.
Coding change: c.5377G>T on transcript NM_000038.6 (MANE Select); coding-DNA position 5377, G replaced by T.
Protein change: p.Ala1793Ser; replaces alanine 1793 with serine.
Molecular consequence: missense variant. On other transcripts: non-coding transcript variant (2).
Genome position (GRCh38, 1-based): chr5:112,840,971, G>T. VCF-style: chr5-112840971-G-T. GRCh37 (hg19) VCF-style: chr5-112176668-G-T.
Other names: c.5377G>T, p.Ala1793Ser (NM_001127510.3, NM_001354895.2, NM_001407450.1); c.5323G>T, p.Ala1775Ser (NM_001127511.3); c.5431G>T, p.Ala1811Ser (NM_001354896.2, NM_001407447.1, NM_001407448.1 and 1 more transcripts); c.5407G>T, p.Ala1803Ser (NM_001354897.2); c.5302G>T, p.Ala1768Ser (NM_001354898.2); c.5293G>T, p.Ala1765Ser (NM_001354899.2); c.5254G>T, p.Ala1752Ser (NM_001354900.2); c.5200G>T, p.Ala1734Ser (NM_001354901.2, NM_001407453.1); and 11 more; short protein forms A1803S, A1664S, A1667S, A1692S, A1710S, A1734S, A1768S, A1783S.
Identifiers: ClinVar variation 4825071 (VCV004825071.1).